The following is an entry in ClinVar:

ClinVar aggregate classification (germline): Uncertain significance. Review status: criteria provided, multiple submitters, no conflicts (2 of 4 stars). 2 submissions from 2 submitters: Uncertain significance (2). Last evaluated 2022-06-20.

Conditions:
Metachromatic leukodystrophy (MLD). Also called: Cerebral sclerosis diffuse metachromatic form; Arylsulfatase A Deficiency; ARSA DEFICIENCY; CEREBROSIDE SULFATASE DEFICIENCY; METACHROMATIC LEUKOENCEPHALOPATHY; SULFATIDE LIPIDOSIS. Identifiers: Orphanet 512, MedGen C0023522, MONDO:0018868, OMIM 250100.

Submissions (2):

Labcorp Genetics (formerly Invitae), Labcorp
Classification: Uncertain significance for Metachromatic leukodystrophy. Last evaluated: 2022-06-20. Review status: criteria provided, single submitter. Criteria: Invitae Variant Classification Sherloc (09022015). Collection method: clinical testing. Allele origin: germline.
Comment: This sequence change replaces glutamine, which is neutral and polar, with histidine, which is basic and polar, at codon 478 of the ARSA protein (p.Gln478His). This variant is present in population databases (no rsID available, gnomAD 0.003%). This variant has not been reported in the literature in individuals affected with ARSA-related conditions. ClinVar contains an entry for this variant (Variation ID: 902515). Algorithms developed to predict the effect of missense changes on protein structure and function are either unavailable or do not agree on the potential impact of this missense change (SIFT: "Deleterious"; PolyPhen-2: "Possibly Damaging"; Align-GVGD: "Class C0"). In summary, the available evidence is currently insufficient to determine the role of this variant in disease. Therefore, it has been classified as a Variant of Uncertain Significance.

Illumina Laboratory Services, Illumina
Classification: Uncertain significance for Metachromatic leukodystrophy. Last evaluated: 2018-01-13. Review status: criteria provided, single submitter. Criteria: ICSL Variant Classification Criteria 13 December 2019. Collection method: clinical testing. Allele origin: germline.

NM_000487.6(ARSA):c.1434G>C (p.Gln478His)

Gene: ARSA (arylsulfatase A; minus strand). Cytogenetic location: 22q13.33.
Variant type: single nucleotide variant.
Coding change: c.1434G>C on transcript NM_000487.6 (MANE Select); coding-DNA position 1434, G replaced by C.
Protein change: p.Gln478His; replaces glutamine 478 with histidine.
Molecular consequence: missense variant.
Genome position (GRCh38, 1-based): chr22:50,625,241, C>G on the plus strand (G>C on the coding strand, the complement: ARSA is on the minus strand). VCF-style: chr22-50625241-C-G. GRCh37 (hg19) VCF-style: chr22-51063669-C-G.
Other names: c.1434G>C, p.Gln478His (NM_001085425.3, NM_001085426.3, NM_001085427.3); c.1176G>C, p.Gln392His (NM_001085428.3, NM_001362782.2); short protein forms Q392H, Q478H.
Identifiers: ClinVar variation 902515 (VCV000902515.8), dbSNP rs769169905, ClinGen allele CA412167528.